The following is an entry in ClinVar:

NM_199420.4(POLQ):c.7366A>G (p.Asn2456Asp)

Gene: POLQ (DNA polymerase theta; minus strand). Cytogenetic location: 3q13.33.
Variant type: single nucleotide variant.
Coding change: c.7366A>G on transcript NM_199420.4 (MANE Select); coding-DNA position 7366, A replaced by G.
Protein change: p.Asn2456Asp; replaces asparagine 2456 with aspartic acid.
Molecular consequence: missense variant.
Genome position (GRCh38, 1-based): chr3:121,440,015, T>C on the plus strand (A>G on the coding strand, the complement: POLQ is on the minus strand). VCF-style: chr3-121440015-T-C. GRCh37 (hg19) VCF-style: chr3-121158862-T-C.
Other names: short protein forms N2456D.
Identifiers: ClinVar variation 3230150 (VCV003230150.1), dbSNP rs2546749853, ClinGen allele CA354097858.

ClinVar aggregate classification (germline): Uncertain significance (1 of 4 stars; one submission).

Allele frequency attached by ClinVar (database versions not stated): gnomAD exomes 0.00001.
gnomAD v4.1: 5 of 1,613,824 alleles (0.00031%); highest among the groups gnomAD compares: Non-Finnish European, 0.00042%; no homozygotes.

Submission:

Ambry Genetics
Classification: Uncertain significance. Last evaluated: 2023-12-23. Review status: criteria provided, single submitter. Criteria: Ambry Variant Classification Scheme 2023. Collection method: clinical testing. Allele origin: germline.
Comment: The p.N2456D variant (also known as c.7366A>G), located in coding exon 27 of the POLQ gene, results from an A to G substitution at nucleotide position 7366. The asparagine at codon 2456 is replaced by aspartic acid, an amino acid with highly similar properties. This amino acid position is conserved. In addition, this alteration is predicted to be tolerated by in silico analysis. Since supporting evidence is limited at this time, the clinical significance of this alteration remains unclear.